The following is an entry in ClinVar:

ClinVar aggregate classification (germline): Benign (0 of 4 stars; one submission).

Conditions:
COL15A1-related disorder. Also called: COL15A1-related condition.

Allele frequency attached by ClinVar (database versions not stated): ESP Exome Variant Server 0.09157; gnomAD exomes 0.09659; 1000 Genomes Project 30x 0.15678; 1000 Genomes Project 0.16014.
gnomAD v4.1: 157,443 of 1,609,582 alleles (9.8%); highest among the groups gnomAD compares: East Asian, 34%; 10,151 homozygotes.

Submission:

PreventionGenetics, part of Exact Sciences
Classification: Benign for COL15A1-related condition. Last evaluated: 2019-10-21. Review status: no assertion criteria provided. Collection method: clinical testing. Allele origin: germline.
Comment: This variant is classified as benign based on ACMG/AMP sequence variant interpretation guidelines (Richards et al. 2015 PMID: 25741868, with internal and published modifications).

NM_001855.5(COL15A1):c.1336G>A (p.Gly446Arg)

Gene: COL15A1 (collagen type XV alpha 1 chain; plus strand). Cytogenetic location: 9q22.33.
Variant type: single nucleotide variant.
Coding change: c.1336G>A on transcript NM_001855.5 (MANE Select); coding-DNA position 1336, G replaced by A.
Protein change: p.Gly446Arg; replaces glycine 446 with arginine.
Molecular consequence: missense variant.
Genome position (GRCh38, 1-based): chr9:99,005,033, G>A. VCF-style: chr9-99005033-G-A. GRCh37 (hg19) VCF-style: chr9-101767315-G-A.
Other names: short protein forms G446R.
Identifiers: ClinVar variation 3060090 (VCV003060090.2), dbSNP rs35934703, ClinGen allele CA5154859.